The following is an entry in ClinVar:

ClinVar aggregate classification (germline): Uncertain significance (1 of 4 stars; one submission).

Conditions:
Kabuki syndrome 2 (KABUK2). Also called: KDM6A-Related Kabuki Syndrome. Identifiers: Orphanet 2322, MedGen C3275495, MONDO:0010465, OMIM 300867.

Allele frequency attached by ClinVar (database versions not stated): gnomAD exomes below 0.00001.
gnomAD v4.1: 2 of 1,210,932 alleles (0.00017%); highest among the groups gnomAD compares: Non-Finnish European, 0.00022%; no homozygotes.

Submission:

Labcorp Genetics (formerly Invitae), Labcorp
Classification: Uncertain significance for Kabuki syndrome 2. Last evaluated: 2024-10-19. Review status: criteria provided, single submitter. Criteria: Invitae Variant Classification Sherloc (09022015). Collection method: clinical testing. Allele origin: germline.
Comment: This sequence change replaces isoleucine, which is neutral and non-polar, with threonine, which is neutral and polar, at codon 372 of the KDM6A protein (p.Ile372Thr). This variant is not present in population databases (gnomAD no frequency). This variant has not been reported in the literature in individuals affected with KDM6A-related conditions. ClinVar contains an entry for this variant (Variation ID: 1024628). Invitae Evidence Modeling of protein sequence and biophysical properties (such as structural, functional, and spatial information, amino acid conservation, physicochemical variation, residue mobility, and thermodynamic stability) indicates that this missense variant is expected to disrupt KDM6A protein function with a positive predictive value of 80%. In summary, the available evidence is currently insufficient to determine the role of this variant in disease. Therefore, it has been classified as a Variant of Uncertain Significance.

NM_001291415.2(KDM6A):c.1115T>C (p.Ile372Thr)

Gene: KDM6A (lysine demethylase 6A; plus strand). Cytogenetic location: Xp11.3.
Variant type: single nucleotide variant.
Coding change: c.1115T>C on transcript NM_001291415.2 (MANE Select); coding-DNA position 1115, T replaced by C.
Protein change: p.Ile372Thr; replaces isoleucine 372 with threonine.
Molecular consequence: missense variant. On other transcripts: non-coding transcript variant (1).
Genome position (GRCh38, 1-based): chrX:45,059,387, T>C. VCF-style: chrX-45059387-T-C. GRCh37 (hg19) VCF-style: chrX-44918632-T-C.
Other names: c.1115T>C, p.Ile372Thr (NM_001291416.2, NM_001291417.2, NM_001291418.2 and 1 more transcripts); c.362T>C, p.Ile121Thr (NM_001291421.2); short protein forms I121T, I372T.
Identifiers: ClinVar variation 1024628 (VCV001024628.8), dbSNP rs2044211918, ClinGen allele CA412782700.